The following is an entry in ClinVar:

ClinVar aggregate classification (germline): Likely benign. Review status: criteria provided, multiple submitters, no conflicts (2 of 4 stars). 2 submissions from 2 submitters: Likely benign (2). Last evaluated 2025-12-17.

Conditions:
3-methylglutaconic aciduria, type VIIB (MGCA7B). Also called: 3-methylglutaconic aciduria, type VII, with cataracts, neurologic involvement and neutropenia; CLPB Deficiency; 3-methylglutaconic aciduria with cataracts, neurologic involvement and neutropenia. Identifiers: Orphanet 445038, MedGen C5676893, MONDO:0014561, OMIM 616271.

Allele frequency attached by ClinVar (database versions not stated): gnomAD exomes 0.00002 and 0.00004; ExAC 0.00008; ESP Exome Variant Server 0.00015; 1000 Genomes Project 30x 0.00016; gnomAD 0.00016 and 0.00018; 1000 Genomes Project 0.00020; TOPMed 0.00031.
gnomAD v4.1: 54 of 1,611,010 alleles (0.0034%); highest among the groups gnomAD compares: African/African-American, 0.056%; no homozygotes.

Submissions (2):

Labcorp Genetics (formerly Invitae), Labcorp
Classification: Likely benign for 3-methylglutaconic aciduria, type VIIB. Last evaluated: 2025-12-17. Review status: criteria provided, single submitter. Criteria: Invitae Variant Classification Sherloc (09022015). Collection method: clinical testing. Allele origin: germline.

GeneDx
Classification: Likely benign. Last evaluated: 2018-01-08. Review status: criteria provided, single submitter. Criteria: GeneDx Variant Classification (06012015). Collection method: clinical testing. Allele origin: germline. Affected: yes.
Comment: This variant is considered likely benign or benign based on one or more of the following criteria: it is a conservative change, it occurs at a poorly conserved position in the protein, it is predicted to be benign by multiple in silico algorithms, and/or has population frequency not consistent with disease.

NM_001258392.3(CLPB):c.966C>T (p.Ser322=)

Gene: CLPB (ClpB family mitochondrial disaggregase; minus strand). Cytogenetic location: 11q13.4.
Variant type: single nucleotide variant.
Coding change: c.966C>T on transcript NM_001258392.3 (MANE Select); coding-DNA position 966, C replaced by T.
Protein change: p.Ser322=; no amino-acid change (serine 322 retained).
Molecular consequence: synonymous variant.
Genome position (GRCh38, 1-based): chr11:72,317,128, G>A on the plus strand (C>T on the coding strand, the complement: CLPB is on the minus strand). VCF-style: chr11-72317128-G-A. GRCh37 (hg19) VCF-style: chr11-72028172-G-A.
Other names: c.879C>T, p.Ser293= (NM_001258393.3); c.921C>T, p.Ser307= (NM_001258394.3); c.1056C>T, p.Ser352= (NM_030813.6).
Identifiers: ClinVar variation 514592 (VCV000514592.12), dbSNP rs371562971, ClinGen allele CA6171319.